The following is an entry in ClinVar:

ClinVar aggregate classification (germline): Uncertain significance (1 of 4 stars; one submission).

Conditions:
Hereditary cancer-predisposing syndrome. Also called: Neoplastic Syndromes, Hereditary; Tumor predisposition; Hereditary Cancer Syndrome; Hereditary neoplastic syndrome. Identifiers: Orphanet 140162, MedGen C0027672, MeSH D009386, MONDO:0015356.

gnomAD v4.1: 4 of 1,511,774 alleles (0.00026%); no homozygotes.

Submission:

Ambry Genetics
Classification: Uncertain significance for Hereditary cancer-predisposing syndrome. Last evaluated: 2026-04-22. Review status: criteria provided, single submitter. Criteria: Ambry Variant Classification Scheme 2023. Collection method: clinical testing. Allele origin: germline.
Comment: The p.T5N variant (also known as c.14C>A), located in coding exon 1 of the RB1 gene, results from a C to A substitution at nucleotide position 14. The threonine at codon 5 is replaced by asparagine, an amino acid with similar properties. This amino acid position is not well conserved in available vertebrate species. In addition, this alteration is predicted to be tolerated by in silico analysis. Based on the available evidence, the clinical significance of this variant remains unclear.

NM_000321.3(RB1):c.14C>A (p.Thr5Asn)

Gene: RB1 (RB transcriptional corepressor 1; plus strand). Cytogenetic location: 13q14.2.
Variant type: single nucleotide variant.
Coding change: c.14C>A on transcript NM_000321.3 (MANE Select); coding-DNA position 14, C replaced by A.
Protein change: p.Thr5Asn; replaces threonine 5 with asparagine.
Molecular consequence: missense variant.
Genome position (GRCh38, 1-based): chr13:48,303,926, C>A. VCF-style: chr13-48303926-C-A. GRCh37 (hg19) VCF-style: chr13-48878062-C-A.
Other names: c.14C>A, p.Thr5Asn (NM_001407165.1, NM_001407166.1, NM_001407167.1); short protein forms T5N.
Identifiers: ClinVar variation 4863017 (VCV004863017.1).